The following is an entry in ClinVar:

NM_001329943.3(KIAA0586):c.1073C>A (p.Ser358Ter)

Gene: KIAA0586 (KIAA0586; plus strand). Cytogenetic location: 14q23.1.
Variant type: single nucleotide variant.
Coding change: c.1073C>A on transcript NM_001329943.3 (MANE Select); coding-DNA position 1073, C replaced by A.
Protein change: p.Ser358Ter; replaces serine 358 with a stop codon.
Molecular consequence: nonsense.
Genome position (GRCh38, 1-based): chr14:58,450,690, C>A. VCF-style: chr14-58450690-C-A. GRCh37 (hg19) VCF-style: chr14-58917408-C-A.
Other names: c.1232C>A, p.Ser411Ter (NM_001244189.2); c.1028C>A, p.Ser343Ter (NM_001244190.2); c.818C>A, p.Ser273Ter (NM_001244191.2, NM_001329945.2, NM_001364700.1 and 1 more transcripts); c.941C>A, p.Ser314Ter (NM_001244192.2); c.653C>A, p.Ser218Ter (NM_001244193.2); c.1073C>A, p.Ser358Ter (NM_001329944.2, NM_001329946.2, NM_001329947.2 and 1 more transcripts); short protein forms S273*, S358*, S343*, S218*, S314*, S411*.
Identifiers: ClinVar variation 4993969 (VCV004993969.1).

ClinVar aggregate classification (germline): Likely pathogenic (1 of 4 stars; one submission).

Conditions:
KIAA0586-related disorder. Also called: KIAA0586- Related disorders; KIAA0586-related condition.

Submission:

PreventionGenetics, part of Exact Sciences
Classification: Likely pathogenic for KIAA0586-related condition. Last evaluated: 2026-07-21. Review status: criteria provided, single submitter. Criteria: ACMG Guidelines, 2015. Collection method: clinical testing. Allele origin: germline.
Comment: The KIAA0586 c.1232C>A variant is predicted to result in premature protein termination (p.Ser411*). To our knowledge, this variant has not been reported in the literature. This variant is absent in a large population database (gnomAD), indicating this variant is rare. Nonsense variants in KIAA0586 are an established mechanism of disease. This variant is interpreted as likely pathogenic.